The following is an entry in ClinVar:

NM_000069.3(CACNA1S):c.1180G>A (p.Asp394Asn)

Gene: CACNA1S (calcium voltage-gated channel subunit alpha1 S; minus strand). Cytogenetic location: 1q32.1.
Variant type: single nucleotide variant.
Coding change: c.1180G>A on transcript NM_000069.3 (MANE Select); coding-DNA position 1180, G replaced by A.
Protein change: p.Asp394Asn; replaces aspartic acid 394 with asparagine.
Molecular consequence: missense variant.
Genome position (GRCh38, 1-based): chr1:201,085,002, C>T on the plus strand (G>A on the coding strand, the complement: CACNA1S is on the minus strand). VCF-style: chr1-201085002-C-T. GRCh37 (hg19) VCF-style: chr1-201054130-C-T.
Other names: short protein forms D394N.
Identifiers: ClinVar variation 652050 (VCV000652050.21), dbSNP rs112236248, ClinGen allele CA078030.

ClinVar aggregate classification (germline): Conflicting classifications of pathogenicity. Review status: criteria provided, conflicting classifications (1 of 4 stars). 4 submissions from 4 submitters: Uncertain significance (2); Benign (1); Likely benign (1). Last evaluated 2025-08-01.

Conditions:
Hypokalemic periodic paralysis, type 1. Also called: Hypokalemic Periodic Paralysis Type 1 (AD); HypoPP. Identifiers: Orphanet 681, MedGen C3714580, MONDO:0042979, OMIM 170400.
Thyrotoxic periodic paralysis, susceptibility to, 1 (TTPP1). Identifiers: Orphanet 79102, MedGen C2749982, MONDO:0008570, OMIM 188580.
Malignant hyperthermia, susceptibility to, 5 (MHS5). Also called: CACNA1S-Related Malignant Hyperthermia Susceptibility. Identifiers: Orphanet 423, MedGen C1866077, MONDO:0011163, OMIM 601887.
Congenital myopathy 18. Also called: DIHYDROPYRIDINE RECEPTOR CONGENITAL MYOPATHY; DHPR CONGENITAL MYOPATHY; Myopathy, congenital, due to dihydropyridine receptor defect. Identifiers: MedGen C5830283, MONDO:0859514, OMIM 620246.

Allele frequency attached by ClinVar (database versions not stated): gnomAD exomes 0.00001 and 0.00002; ExAC 0.00002; TOPMed 0.00005; gnomAD 0.00007; ESP Exome Variant Server 0.00015.
gnomAD v4.1: 26 of 1,612,234 alleles (0.0016%); highest among the groups gnomAD compares: African/African-American, 0.024%; no homozygotes.

Submissions (4):

CeGaT Center for Human Genetics Tuebingen
Classification: Uncertain significance. Last evaluated: 2025-08-01. Review status: criteria provided, single submitter. Criteria: CeGaT Center For Human Genetics Tuebingen Variant Classification Criteria Version 2. Collection method: clinical testing. Allele origin: germline. Affected: yes. Observed: 1 variant allele.
Comment: CACNA1S: PM2

Labcorp Genetics (formerly Invitae), Labcorp
Classification: Benign for Hypokalemic periodic paralysis, type 1; Malignant hyperthermia, susceptibility to, 5. Last evaluated: 2024-11-21. Review status: criteria provided, single submitter. Criteria: Invitae Variant Classification Sherloc (09022015). Collection method: clinical testing. Allele origin: germline.

Fulgent Genetics
Classification: Likely benign for Hypokalemic periodic paralysis, type 1; Thyrotoxic periodic paralysis, susceptibility to, 1; Malignant hyperthermia, susceptibility to, 5; Congenital myopathy 18. Last evaluated: 2024-02-28. Review status: criteria provided, single submitter. Criteria: ACMG Guidelines, 2015. Collection method: clinical testing. Allele origin: germline.

Color Diagnostics, LLC DBA Color Health
Classification: Uncertain significance for Malignant hyperthermia, susceptibility to, 5. Last evaluated: 2024-02-07. Review status: criteria provided, single submitter. Criteria: ACMG Guidelines, 2015. Collection method: clinical testing. Allele origin: germline.
Comment: This missense variant replaces aspartic acid with asparagine at codon 394 of the CACNA1S protein. Computational prediction suggests that this variant may not impact protein structure and function (internally defined REVEL score threshold <= 0.5, PMID: 27666373). To our knowledge, functional studies have not been reported for this variant. This variant has not been reported in individuals affected with CACNA1S-related disorders in the literature. This variant has been identified in 9/281750 chromosomes in the general population by the Genome Aggregation Database (gnomAD). The available evidence is insufficient to determine the role of this variant in disease conclusively. Therefore, this variant is classified as a Variant of Uncertain Significance.